The following is an entry in ClinVar:

ClinVar aggregate classification (germline): Likely benign (1 of 4 stars; one submission).

gnomAD v4.1: 5 of 109,936 alleles (0.0045%); highest among the groups gnomAD compares: South Asian, 0.039%; no homozygotes.

Submission:

CeGaT Center for Human Genetics Tuebingen
Classification: Likely benign. Last evaluated: 2026-08-01. Review status: criteria provided, single submitter. Criteria: CeGaT Center For Human Genetics Tuebingen Variant Classification Criteria Version 2. Collection method: clinical testing. Allele origin: germline. Affected: yes. Observed: 1 variant allele.
Comment: NLGN3: BP4, BP7

NC_000023.11:g.71171434G>A

Gene: NLGN3 (neuroligin 3; plus strand). Cytogenetic location: Xq13.1.
Variant type: single nucleotide variant.
Genome position: GRCh38 VCF-style: chrX-71171434-G-A. GRCh37 (hg19) VCF-style: chrX-70391284-G-A.
Identifiers: ClinVar variation 5039734 (VCV005039734.1).